The following is an entry in ClinVar:

NM_001818.5(AKR1C4):c.87T>A (p.Val29=)

Gene: AKR1C4 (aldo-keto reductase family 1 member C4; plus strand). Cytogenetic location: 10p15.1.
Variant type: single nucleotide variant.
Coding change: c.87T>A on transcript NM_001818.5 (MANE Select); coding-DNA position 87, T replaced by A.
Protein change: p.Val29=; no amino-acid change (valine 29 retained).
Molecular consequence: synonymous variant.
Genome position (GRCh38, 1-based): chr10:5,200,183, T>A. VCF-style: chr10-5200183-T-A. GRCh37 (hg19) VCF-style: chr10-5242146-T-A.
Identifiers: ClinVar variation 4991851 (VCV004991851.1).

ClinVar aggregate classification (germline): Likely benign (1 of 4 stars; one submission).

Conditions:
AKR1C4-related disorder. Also called: AKR1C4-related condition.

Submission:

PreventionGenetics, part of Exact Sciences
Classification: Likely benign for AKR1C4-related condition. Last evaluated: 2026-01-06. Review status: criteria provided, single submitter. Criteria: ACMG Guidelines, 2015. Collection method: clinical testing. Allele origin: germline.
Comment: This variant is classified as likely benign based on ACMG/AMP sequence variant interpretation guidelines (Richards et al. 2015 PMID: 25741868, with internal and published modifications).